The following is an entry in ClinVar:

ClinVar aggregate classification (germline): Uncertain significance (1 of 4 stars; one submission).

Submission:

CeGaT Center for Human Genetics Tuebingen
Classification: Uncertain significance. Last evaluated: 2023-09-01. Review status: criteria provided, single submitter. Criteria: CeGaT Center For Human Genetics Tuebingen Variant Classification Criteria Version 2. Collection method: clinical testing. Allele origin: germline. Affected: yes. Observed: 1 variant allele.
Comment: EED: PM2, PP2, BP4

NM_003797.5(EED):c.847A>C (p.Asn283His)

Gene: EED (embryonic ectoderm development; plus strand). Cytogenetic location: 11q14.2.
Variant type: single nucleotide variant.
Coding change: c.847A>C on transcript NM_003797.5 (MANE Select); coding-DNA position 847, A replaced by C.
Protein change: p.Asn283His; replaces asparagine 283 with histidine.
Molecular consequence: missense variant. On other transcripts: intron variant (1).
Genome position (GRCh38, 1-based): chr11:86,266,203, A>C. VCF-style: chr11-86266203-A-C. GRCh37 (hg19) VCF-style: chr11-85977245-A-C.
Other names: c.847A>C, p.Asn283His (NM_001308007.2); c.726+1940A>C (NM_001330334.2); short protein forms N283H.
Identifiers: ClinVar variation 2642253 (VCV002642253.24), dbSNP rs2495863457, ClinGen allele CA382004880.